The following is an entry in ClinVar:

NM_031935.3(HMCN1):c.12669A>C (p.Glu4223Asp)

Gene: HMCN1 (hemicentin 1; plus strand). Cytogenetic location: 1q31.1.
Variant type: single nucleotide variant.
Coding change: c.12669A>C on transcript NM_031935.3 (MANE Select); coding-DNA position 12669, A replaced by C.
Protein change: p.Glu4223Asp; replaces glutamic acid 4223 with aspartic acid.
Molecular consequence: missense variant.
Genome position (GRCh38, 1-based): chr1:186,125,773, A>C. VCF-style: chr1-186125773-A-C. GRCh37 (hg19) VCF-style: chr1-186094905-A-C.
Other names: short protein forms E4223D.
Identifiers: ClinVar variation 2117528 (VCV002117528.4), dbSNP rs2528049689, ClinGen allele CA343904329.

ClinVar aggregate classification (germline): Uncertain significance (1 of 4 stars; one submission).

Allele frequency attached by ClinVar (database versions not stated): gnomAD exomes below 0.00001.
gnomAD v4.1: 4 of 1,613,108 alleles (0.00025%); highest among the groups gnomAD compares: Non-Finnish European, 0.00034%; no homozygotes.

Submission:

Labcorp Genetics (formerly Invitae), Labcorp
Classification: Uncertain significance. Last evaluated: 2022-04-18. Review status: criteria provided, single submitter. Criteria: Invitae Variant Classification Sherloc (09022015). Collection method: clinical testing. Allele origin: germline.
Comment: In summary, the available evidence is currently insufficient to determine the role of this variant in disease. Therefore, it has been classified as a Variant of Uncertain Significance. Algorithms developed to predict the effect of missense changes on protein structure and function are either unavailable or do not agree on the potential impact of this missense change (SIFT: "Tolerated"; PolyPhen-2: "Probably Damaging"; Align-GVGD: "Class C0"). This variant has not been reported in the literature in individuals affected with HMCN1-related conditions. This variant is not present in population databases (gnomAD no frequency). This sequence change replaces glutamic acid, which is acidic and polar, with aspartic acid, which is acidic and polar, at codon 4223 of the HMCN1 protein (p.Glu4223Asp).